The following is an entry in ClinVar:

ClinVar aggregate classification (germline): Uncertain significance (1 of 4 stars; one submission).

Submission:

GeneDx
Classification: Uncertain significance. Last evaluated: 2023-02-28. Review status: criteria provided, single submitter. Criteria: GeneDx Variant Classification Process June 2021. Collection method: clinical testing. Allele origin: germline. Affected: yes.
Comment: Not observed at significant frequency in large population cohorts (gnomAD); Missense variants in this gene are often considered pathogenic (HGMD); This substitution is predicted to be in the cytoplasmic loop between the first homologous domain and second homologous domains; In silico analysis supports that this missense variant does not alter protein structure/function; Has not been previously published as pathogenic or benign to our knowledge

NM_001040142.2(SCN2A):c.1996G>T (p.Ala666Ser)

Gene: SCN2A (sodium voltage-gated channel alpha subunit 2; plus strand). Cytogenetic location: 2q24.3.
Variant type: single nucleotide variant.
Coding change: c.1996G>T on transcript NM_001040142.2 (MANE Select); coding-DNA position 1996, G replaced by T.
Protein change: p.Ala666Ser; replaces alanine 666 with serine.
Molecular consequence: missense variant.
Genome position (GRCh38, 1-based): chr2:165,323,480, G>T. VCF-style: chr2-165323480-G-T. GRCh37 (hg19) VCF-style: chr2-166179990-G-T.
Other names: c.1996G>T, p.Ala666Ser (NM_001040143.2, NM_001371246.1, NM_001371247.1 and 1 more transcripts); short protein forms A666S.
Identifiers: ClinVar variation 2578201 (VCV002578201.1), dbSNP rs1698176703, ClinGen allele CA349027845.